The following is an entry in ClinVar:

NM_000069.3(CACNA1S):c.2854-33CCTC[7]

Gene: CACNA1S (calcium voltage-gated channel subunit alpha1 S; minus strand). Cytogenetic location: 1q32.1.
Variant type: Microsatellite.
Coding change: c.2854-33CCTC[7] on transcript NM_000069.3 (MANE Select); seven copies in a row of the 4-base unit CCTC starting at c.2854-33; the reference has five copies in a row; two copies, 8 bases duplicated.
Molecular consequence: intron variant.
Genome position (GRCh38, 1-based): chr1:201,062,528-201,062,535, GAGGGAGG duplicated on the plus strand (CCTCCCTC on the coding strand, the reverse complement: CACNA1S is on the minus strand); duplicating any 8 consecutive bases within chr1:201,062,528-201,062,547 gives the same sequence; the position shown is the placement nearest the transcript's 3' end. VCF-style (leftmost placement, unchanged base first): chr1-201062527-A-AGAGGGAGG. GRCh37 (hg19) VCF-style: chr1-201031655-A-AGAGGGAGG.
Other names: c.2854-21_2854-14dup (NM_000069.3).
Identifiers: ClinVar variation 2927396 (VCV002927396.5), dbSNP rs747117832, ClinGen allele CA528314287.

ClinVar aggregate classification (germline): Likely benign. Review status: criteria provided, multiple submitters, no conflicts (2 of 4 stars). 3 submissions from 3 submitters: Likely benign (3). Last evaluated 2023-04-24.

Conditions:
Malignant hyperthermia, susceptibility to, 5 (MHS5). Also called: CACNA1S-Related Malignant Hyperthermia Susceptibility. Identifiers: Orphanet 423, MedGen C1866077, MONDO:0011163, OMIM 601887.
Hypokalemic periodic paralysis, type 1. Also called: Hypokalemic Periodic Paralysis Type 1 (AD); HypoPP. Identifiers: Orphanet 681, MedGen C3714580, MONDO:0042979, OMIM 170400.

Submissions (3):

All of Us Research Program, National Institutes of Health
Classification: Likely benign for Malignant hyperthermia, susceptibility to, 5. Last evaluated: 2023-04-24. Review status: criteria provided, single submitter. Criteria: ACMG Guidelines, 2015. Collection method: clinical testing. Allele origin: germline. Inheritance: Autosomal dominant inheritance. Observed: 1 variant allele, 1 heterozygote.
Comment: This study involves interpretation of variants in research participants for the purpose of population health screening. Participant phenotype was not available at the time of variant classification. Additional details can be found in publication PMID: 35346344, PMCID: PMC8962531

Color Diagnostics, LLC DBA Color Health
Classification: Likely benign for Malignant hyperthermia, susceptibility to, 5. Last evaluated: 2023-04-07. Review status: criteria provided, single submitter. Criteria: ACMG Guidelines, 2015. Collection method: clinical testing. Allele origin: germline.

Labcorp Genetics (formerly Invitae), Labcorp
Classification: Likely benign for Hypokalemic periodic paralysis, type 1; Malignant hyperthermia, susceptibility to, 5. Last evaluated: 2023-01-31. Review status: criteria provided, single submitter. Criteria: Invitae Variant Classification Sherloc (09022015). Collection method: clinical testing. Allele origin: germline.